The following is an entry in ClinVar:

NM_000179.3(MSH6):c.874A>G (p.Ser292Gly)

Gene: MSH6 (mutS homolog 6; plus strand). Cytogenetic location: 2p16.3.
Variant type: single nucleotide variant.
Coding change: c.874A>G on transcript NM_000179.3 (MANE Select); coding-DNA position 874, A replaced by G.
Protein change: p.Ser292Gly; replaces serine 292 with glycine.
Molecular consequence: missense variant. On other transcripts: 5 prime UTR variant (2).
Genome position (GRCh38, 1-based): chr2:47,798,857, A>G. VCF-style: chr2-47798857-A-G. GRCh37 (hg19) VCF-style: chr2-48025996-A-G.
Other names: c.484A>G, p.Ser162Gly (NM_001281492.2); c.-33A>G (NM_001281493.2, NM_001281494.2); short protein forms S162G, S292G.
Identifiers: ClinVar variation 959901 (VCV000959901.13), dbSNP rs1669265158, ClinGen allele CA346740648.

ClinVar aggregate classification (germline): Uncertain significance. Review status: criteria provided, multiple submitters, no conflicts (2 of 4 stars). 3 submissions from 3 submitters: Uncertain significance (3). Last evaluated 2025-10-02.

Conditions:
Hereditary nonpolyposis colorectal neoplasms. Identifiers: MedGen C0009405, MeSH D003123.
Hereditary cancer-predisposing syndrome. Also called: Tumor predisposition; Hereditary neoplastic syndrome; Neoplastic Syndromes, Hereditary; Hereditary Cancer Syndrome. Identifiers: Orphanet 140162, MedGen C0027672, MeSH D009386, MONDO:0015356.

Allele frequency attached by ClinVar (database versions not stated): TOPMed below 0.00001.

Submissions (3):

Ambry Genetics
Classification: Uncertain significance for Hereditary cancer-predisposing syndrome. Last evaluated: 2025-10-02. Review status: criteria provided, single submitter. Criteria: Ambry Variant Classification Scheme 2023. Collection method: clinical testing. Allele origin: germline.
Comment: The p.S292G variant (also known as c.874A>G), located in coding exon 4 of the MSH6 gene, results from an A to G substitution at nucleotide position 874. The serine at codon 292 is replaced by glycine, an amino acid with similar properties. This amino acid position is not well conserved in available vertebrate species. In addition, the in silico prediction for this alteration is inconclusive. Since supporting evidence is limited at this time, the clinical significance of this alteration remains unclear.

Color Diagnostics, LLC DBA Color Health
Classification: Uncertain significance for Hereditary cancer-predisposing syndrome. Last evaluated: 2025-07-14. Review status: criteria provided, single submitter. Criteria: ACMG Guidelines, 2015. Collection method: clinical testing. Allele origin: germline.
Comment: This missense variant replaces serine with glycine at codon 292 of the MSH6 protein. Computational prediction suggests that this variant may not impact protein structure and function. To our knowledge, functional studies have not been reported for this variant. This variant has not been reported in individuals affected with MSH6-related disorders in the literature. This variant has not been identified in the general population by the Genome Aggregation Database (gnomAD). The available evidence is insufficient to determine the role of this variant in disease conclusively. Therefore, this variant is classified as a Variant of Uncertain Significance.

Labcorp Genetics (formerly Invitae), Labcorp
Classification: Uncertain significance for Hereditary nonpolyposis colorectal neoplasms. Last evaluated: 2024-12-26. Review status: criteria provided, single submitter. Criteria: Invitae Variant Classification Sherloc (09022015). Collection method: clinical testing. Allele origin: germline.
Comment: This sequence change replaces serine, which is neutral and polar, with glycine, which is neutral and non-polar, at codon 292 of the MSH6 protein (p.Ser292Gly). This variant is not present in population databases (gnomAD no frequency). This variant has not been reported in the literature in individuals affected with MSH6-related conditions. ClinVar contains an entry for this variant (Variation ID: 959901). Invitae Evidence Modeling of protein sequence and biophysical properties (such as structural, functional, and spatial information, amino acid conservation, physicochemical variation, residue mobility, and thermodynamic stability) indicates that this missense variant is not expected to disrupt MSH6 protein function with a negative predictive value of 95%. In summary, the available evidence is currently insufficient to determine the role of this variant in disease. Therefore, it has been classified as a Variant of Uncertain Significance.